The following is an entry in ClinVar:

ClinVar aggregate classification (germline): Likely benign. Review status: criteria provided, single submitter (1 of 4 stars). 2 submissions from 2 submitters: Likely benign (1). 1 of the submissions does not count toward it. Last evaluated 2025-02-26.

Conditions:
Distal hereditary motor neuropathy type 2. Identifiers: Orphanet 139525, MedGen C3711384, MeSH C580044, MONDO:0015352.
FBXO38-related disorder. Also called: FBXO38-related condition.

Allele frequency attached by ClinVar (database versions not stated): gnomAD exomes 0.00006; ExAC 0.00009; gnomAD 0.00012; TOPMed 0.00013; ESP Exome Variant Server 0.00023; 1000 Genomes Project 0.00040; 1000 Genomes Project 30x 0.00047.
gnomAD v4.1: 72 of 1,612,620 alleles (0.0045%); highest among the groups gnomAD compares: African/African-American, 0.057%; no homozygotes.

Submissions (2):

Labcorp Genetics (formerly Invitae), Labcorp
Classification: Likely benign for Distal hereditary motor neuropathy type 2. Last evaluated: 2025-02-26. Review status: criteria provided, single submitter. Criteria: Invitae Variant Classification Sherloc (09022015). Collection method: clinical testing. Allele origin: germline.

PreventionGenetics, part of Exact Sciences
Classification: Likely benign for FBXO38-related condition. Last evaluated: 2019-07-10. Review status: no assertion criteria provided. Collection method: clinical testing. Allele origin: germline. Not counted in ClinVar's aggregate classification.
Comment: This variant is classified as likely benign based on ACMG/AMP sequence variant interpretation guidelines (Richards et al. 2015 PMID: 25741868, with internal and published modifications).

NM_205836.3(FBXO38):c.2736C>T (p.Ile912=)

Gene: FBXO38 (F-box protein 38; plus strand). Cytogenetic location: 5q32.
Variant type: single nucleotide variant.
Coding change: c.2736C>T on transcript NM_205836.3 (MANE Select); coding-DNA position 2736, C replaced by T.
Protein change: p.Ile912=; no amino-acid change (isoleucine 912 retained).
Molecular consequence: synonymous variant.
Genome position (GRCh38, 1-based): chr5:148,433,506, C>T. VCF-style: chr5-148433506-C-T. GRCh37 (hg19) VCF-style: chr5-147813069-C-T.
Other names: c.2001C>T, p.Ile667= (NM_001271723.2); c.2511C>T, p.Ile837= (NM_030793.5); c.2511C>T (NM_030793.4).
Identifiers: ClinVar variation 1096293 (VCV001096293.12), dbSNP rs142105545, ClinGen allele CA3497578.
Genomic context (GRCh38, chr5:148,433,506, plus strand): 5'-TCACGCCATGAAACGGAAGCGGACAGCAGATAAATCCACTAGTACAAGTGATCCTGTGAT[C>T]GAGGATGACCATGTGCAGGTAGAGAAAAAACCCTCACTTACCTTTATCACAGTCTAGCCC-3'
Protein context (NP_995308.1, residues 902-922): DKSTSTSDPV[Ile912=]EDDHVQVLVL